The following is an entry in ClinVar:

NM_000489.6(ATRX):c.658T>C (p.Cys220Arg)

Gene: ATRX (ATRX chromatin remodeler; minus strand). Cytogenetic location: Xq21.1.
Variant type: single nucleotide variant.
Coding change: c.658T>C on transcript NM_000489.6 (MANE Select); coding-DNA position 658, T replaced by C.
Protein change: p.Cys220Arg; replaces cysteine 220 with arginine.
Molecular consequence: missense variant.
Genome position (GRCh38, 1-based): chrX:77,684,943, A>G on the plus strand (T>C on the coding strand, the complement: ATRX is on the minus strand). VCF-style: chrX-77684943-A-G. GRCh37 (hg19) VCF-style: chrX-76940435-A-G.
Other names: c.544T>C, p.Cys182Arg (NM_138270.5); short protein forms C220R, C182R.
Identifiers: ClinVar variation 2138614 (VCV002138614.4), dbSNP rs2520035178, ClinGen allele CA413720981.

ClinVar aggregate classification (germline): Uncertain significance (1 of 4 stars; one submission).

Conditions:
Alpha thalassemia-X-linked intellectual disability syndrome (ATRX). Also called: ALPHA-THALASSEMIA/MENTAL RETARDATION SYNDROME, X-LINKED; ATR, NONDELETION TYPE; ATR-X syndrome; Alpha thalassemia mental retardation syndrome, nondeletion type, X-linked; XLMR hypotonic face syndrome; X-linked alpha-thalassemia-mental retardation syndrome. Identifiers: Orphanet 847, MedGen C1845055, MONDO:0010519, OMIM 301040.

Submission:

Labcorp Genetics (formerly Invitae), Labcorp
Classification: Uncertain significance for Alpha thalassemia-X-linked intellectual disability syndrome. Last evaluated: 2023-12-07. Review status: criteria provided, single submitter. Criteria: Invitae Variant Classification Sherloc (09022015). Collection method: clinical testing. Allele origin: germline.
Comment: This sequence change replaces cysteine, which is neutral and slightly polar, with arginine, which is basic and polar, at codon 220 of the ATRX protein (p.Cys220Arg). This variant is not present in population databases (gnomAD no frequency). This missense change has been observed in individual(s) with Alpha-thalassemia X-linked intellectual disability syndrome (PMID: 9326931). This variant is also known as c.991T>C, p.C103R. ClinVar contains an entry for this variant (Variation ID: 2138614). Advanced modeling of protein sequence and biophysical properties (such as structural, functional, and spatial information, amino acid conservation, physicochemical variation, residue mobility, and thermodynamic stability) performed at Invitae indicates that this missense variant is expected to disrupt ATRX protein function with a positive predictive value of 95%. Experimental studies have shown that this missense change affects ATRX function (PMID: 17609377). This variant disrupts the p.Cys220 amino acid residue in ATRX. Other variant(s) that disrupt this residue have been observed in individuals with ATRX-related conditions (PMID: 11050622), which suggests that this may be a clinically significant amino acid residue. In summary, the available evidence is currently insufficient to determine the role of this variant in disease. Therefore, it has been classified as a Variant of Uncertain Significance.

Literature cited by the submitters: PubMed 9326931; PubMed 17609377; PubMed 11050622.